The following is an entry in ClinVar:

NM_000744.7(CHRNA4):c.1425C>T (p.Gly475=)

Gene: CHRNA4 (cholinergic receptor nicotinic alpha 4 subunit; minus strand). Cytogenetic location: 20q13.33.
Variant type: single nucleotide variant.
Coding change: c.1425C>T on transcript NM_000744.7 (MANE Select); coding-DNA position 1425, C replaced by T.
Protein change: p.Gly475=; no amino-acid change (glycine 475 retained).
Molecular consequence: synonymous variant. On other transcripts: non-coding transcript variant (1).
Genome position (GRCh38, 1-based): chr20:63,349,986, G>A on the plus strand (C>T on the coding strand, the complement: CHRNA4 is on the minus strand). VCF-style: chr20-63349986-G-A. GRCh37 (hg19) VCF-style: chr20-61981338-G-A.
Other names: c.897C>T, p.Gly299= (NM_001256573.2).
Identifiers: ClinVar variation 98317 (VCV000098317.13), dbSNP rs121912279, ClinGen allele CA150414.

ClinVar aggregate classification (germline): Likely benign. Review status: criteria provided, multiple submitters, no conflicts (2 of 4 stars). 3 submissions from 3 submitters: Likely benign (2). 1 of the submissions does not count toward it. Last evaluated 2026-07-29.

Conditions:
Familial sleep-related hypermotor epilepsy. Also called: Autosomal Dominant Sleep-Related Hypermotor (Hyperkinetic) Epilepsy. Identifiers: Orphanet 98784, MedGen C3696898, MONDO:0000030.
Inborn genetic diseases. Identifiers: MedGen C0950123, MeSH D030342.
Tobacco use disorder. Identifiers: MedGen C0040336.
Autosomal dominant nocturnal frontal lobe epilepsy 1. Also called: CHRNA4-Related Nocturnal Frontal Lobe Epilepsy, Autosomal Dominant; EPILEPSY, NOCTURNAL FRONTAL LOBE, TYPE 1. Identifiers: Orphanet 98784, MedGen C1838049, MONDO:0010899, OMIM 600513.

Allele frequency attached by ClinVar (database versions not stated): gnomAD exomes 0.00002; gnomAD 0.00003; TOPMed 0.00003; ExAC 0.00004.

Submissions (3):

Ambry Genetics
Classification: Likely benign for Inborn genetic diseases. Last evaluated: 2026-07-29. Review status: criteria provided, single submitter. Criteria: Ambry Variant Classification Scheme 2023. Collection method: clinical testing. Allele origin: germline.

Labcorp Genetics (formerly Invitae), Labcorp
Classification: Likely benign. Last evaluated: 2024-10-16. Review status: criteria provided, single submitter. Criteria: Invitae Variant Classification Sherloc (09022015). Collection method: clinical testing. Allele origin: germline.

Psychiatry Genetics Yale University
No classification provided. Review status: no classification provided. Collection method: not provided. Allele origin: somatic. Not counted in ClinVar's aggregate classification.